The following is an entry in ClinVar:

ClinVar aggregate classification (germline): Uncertain significance (1 of 4 stars; one submission).

Allele frequency attached by ClinVar (database versions not stated): ExAC 0.00001.

Submission:

Ambry Genetics
Classification: Uncertain significance. Last evaluated: 2023-02-25. Review status: criteria provided, single submitter. Criteria: Ambry Variant Classification Scheme 2023. Collection method: clinical testing. Allele origin: germline.
Comment: The p.N47S variant (also known as c.140A>G), located in coding exon 1 of the BUB3 gene, results from an A to G substitution at nucleotide position 140. The asparagine at codon 47 is replaced by serine, an amino acid with highly similar properties. This amino acid position is conserved. In addition, this alteration is predicted to be tolerated by in silico analysis. Since supporting evidence is limited at this time, the clinical significance of this alteration remains unclear.

NM_004725.4(BUB3):c.140A>G (p.Asn47Ser)

Gene: BUB3 (BUB3 mitotic checkpoint protein; plus strand). Cytogenetic location: 10q26.13.
Variant type: single nucleotide variant.
Coding change: c.140A>G on transcript NM_004725.4 (MANE Select); coding-DNA position 140, A replaced by G.
Protein change: p.Asn47Ser; replaces asparagine 47 with serine.
Molecular consequence: missense variant.
Genome position (GRCh38, 1-based): chr10:123,155,057, A>G. VCF-style: chr10-123155057-A-G. GRCh37 (hg19) VCF-style: chr10-124914573-A-G.
Other names: c.140A>G, p.Asn47Ser (NM_001007793.3); short protein forms N47S.
Identifiers: ClinVar variation 2496881 (VCV002496881.2), dbSNP rs752796268, ClinGen allele CA5731499.